The following is an entry in ClinVar:

ClinVar aggregate classification (germline): Uncertain significance (1 of 4 stars; one submission).

Conditions:
Glycogen storage disease IXd (GSD9D). Also called: Muscle Phosphorylase Kinase Deficiency; GSD IXd. Identifiers: Orphanet 715, MedGen C1845151, MONDO:0010362, OMIM 300559.

Allele frequency attached by ClinVar (database versions not stated): 1000 Genomes Project 0.00053; 1000 Genomes Project 30x 0.00062; gnomAD exomes 0.00001 and 0.00002; TOPMed 0.00001; gnomAD 0.00002; ExAC 0.00003.
gnomAD v4.1: 19 of 1,182,272 alleles (0.0016%); highest among the groups gnomAD compares: Admixed American, 0.037%; no homozygotes.

Submission:

Labcorp Genetics (formerly Invitae), Labcorp
Classification: Uncertain significance for Glycogen storage disease IXd. Last evaluated: 2022-08-06. Review status: criteria provided, single submitter. Criteria: Invitae Variant Classification Sherloc (09022015). Collection method: clinical testing. Allele origin: germline.
Comment: Algorithms developed to predict the effect of missense changes on protein structure and function are either unavailable or do not agree on the potential impact of this missense change (SIFT: "Deleterious"; PolyPhen-2: "Probably Damaging"; Align-GVGD: "Class C0"). ClinVar contains an entry for this variant (Variation ID: 1499851). In summary, the available evidence is currently insufficient to determine the role of this variant in disease. Therefore, it has been classified as a Variant of Uncertain Significance. This variant has not been reported in the literature in individuals affected with PHKA1-related conditions. This variant is present in population databases (rs199582889, gnomAD 0.004%). This sequence change replaces serine, which is neutral and polar, with phenylalanine, which is neutral and non-polar, at codon 405 of the PHKA1 protein (p.Ser405Phe).

NM_002637.4(PHKA1):c.1214C>T (p.Ser405Phe)

Gene: PHKA1 (phosphorylase kinase regulatory subunit alpha 1; minus strand). Cytogenetic location: Xq13.1.
Variant type: single nucleotide variant.
Coding change: c.1214C>T on transcript NM_002637.4 (MANE Select); coding-DNA position 1214, C replaced by T.
Protein change: p.Ser405Phe; replaces serine 405 with phenylalanine.
Molecular consequence: missense variant.
Genome position (GRCh38, 1-based): chrX:72,652,575, G>A on the plus strand (C>T on the coding strand, the complement: PHKA1 is on the minus strand). VCF-style: chrX-72652575-G-A. GRCh37 (hg19) VCF-style: chrX-71872425-G-A.
Other names: c.1214C>T, p.Ser405Phe (NM_001122670.2, NM_001172436.2); short protein forms S405F.
Identifiers: ClinVar variation 1499851 (VCV001499851.7), dbSNP rs199582889, ClinGen allele CA10450914.